The following is an entry in ClinVar:

ClinVar aggregate classification (germline): Benign. Review status: criteria provided, multiple submitters, no conflicts (2 of 4 stars). 4 submissions from 4 submitters: Benign (3). 1 of the submissions does not count toward it. Last evaluated 2026-02-01.

Conditions:
Hemochromatosis type 2A (HFE2A). Also called: Adult-Onset Hemochromatosis; HJV (HFE2)-Related Juvenile Hemochromatosis. Identifiers: Orphanet 79230, MedGen C1865614, MONDO:0011216, OMIM 602390.

Allele frequency attached by ClinVar (database versions not stated): gnomAD exomes 0.00044 and 0.00119; ExAC 0.00142; 1000 Genomes Project 30x 0.00328; 1000 Genomes Project 0.00379; gnomAD 0.00438 and 0.00473; TOPMed 0.00502; ESP Exome Variant Server 0.00546.
gnomAD v4.1: 1,353 of 1,614,132 alleles (0.084%); highest among the groups gnomAD compares: African/African-American, 1.6%; 13 homozygotes.

Submissions (4):

Labcorp Genetics (formerly Invitae), Labcorp
Classification: Benign. Last evaluated: 2026-02-01. Review status: criteria provided, single submitter. Criteria: Invitae Variant Classification Sherloc (09022015). Collection method: clinical testing. Allele origin: germline.

Illumina Laboratory Services, Illumina
Classification: Benign for Hemochromatosis type 2A. Last evaluated: 2018-01-13. Review status: criteria provided, single submitter. Criteria: ICSL Variant Classification Criteria 13 December 2019. Collection method: clinical testing. Allele origin: germline.
Comment: This variant was observed in the ICSL laboratory as part of a predisposition screen in an ostensibly healthy population. It had not been previously curated by ICSL or reported in the Human Gene Mutation Database (HGMD: prior to June 1st, 2018), and was therefore a candidate for classification through an automated scoring system. Utilizing variant allele frequency, disease prevalence and penetrance estimates, and inheritance mode, an automated score was calculated to assess if this variant is too frequent to cause the disease. Based on the score and internal cut-off values, a variant classified as benign is not then subjected to further curation. The score for this variant resulted in a classification of benign for this disease.

Breakthrough Genomics
Classification: Benign. Review status: criteria provided, single submitter. Criteria: ACMG Guidelines, 2015. Collection method: not provided. Allele origin: germline. Inheritance: Autosomal recessive inheritance. Affected: yes.

Natera, Inc.
Classification: Benign for Hemochromatosis type 2A. Last evaluated: 2020-01-06. Review status: no assertion criteria provided. Collection method: clinical testing. Allele origin: germline. Not counted in ClinVar's aggregate classification.

NM_213653.4(HJV):c.828C>A (p.Ile276=)

Gene: HJV (hemojuvelin BMP co-receptor; minus strand). Cytogenetic location: 1q21.1.
Variant type: single nucleotide variant.
Coding change: c.828C>A on transcript NM_213653.4 (MANE Select); coding-DNA position 828, C replaced by A.
Protein change: p.Ile276=; no amino-acid change (isoleucine 276 retained).
Molecular consequence: synonymous variant.
Genome position (GRCh38, 1-based): chr1:146,018,530, G>T on the plus strand (C>A on the coding strand, the complement: HJV is on the minus strand). VCF-style: chr1-146018530-G-T. GRCh37 (hg19) VCF-style: chr1-145416483-C-A.
Other names: c.150C>A, p.Ile50= (NM_001316767.2, NM_202004.4, NM_213652.4); c.828C>A, p.Ile276= (NM_001379352.1); c.489C>A, p.Ile163= (NM_145277.5).
Identifiers: ClinVar variation 292429 (VCV000292429.19), dbSNP rs140919572, ClinGen allele CA1053905.